The following is an entry in ClinVar:

ClinVar aggregate classification (germline): Uncertain significance (1 of 4 stars; one submission).

Allele frequency attached by ClinVar (database versions not stated): ExAC 0.00001; gnomAD 0.00001; gnomAD exomes 0.00001; TOPMed 0.00001.
gnomAD v4.1: 13 of 1,614,076 alleles (0.00081%); highest among the groups gnomAD compares: East Asian, 0.0022%; no homozygotes.

Submission:

Labcorp Genetics (formerly Invitae), Labcorp
Classification: Uncertain significance. Last evaluated: 2025-06-02. Review status: criteria provided, single submitter. Criteria: Invitae Variant Classification Sherloc (09022015). Collection method: clinical testing. Allele origin: germline.
Comment: This sequence change replaces lysine, which is basic and polar, with arginine, which is basic and polar, at codon 1693 of the ANK3 protein (p.Lys1693Arg). This variant is present in population databases (rs774624088, gnomAD 0.006%). This variant has not been reported in the literature in individuals affected with ANK3-related conditions. ClinVar contains an entry for this variant (Variation ID: 1936946). Invitae Evidence Modeling of protein sequence and biophysical properties (such as structural, functional, and spatial information, amino acid conservation, physicochemical variation, residue mobility, and thermodynamic stability) indicates that this missense variant is not expected to disrupt ANK3 protein function with a negative predictive value of 80%. In summary, the available evidence is currently insufficient to determine the role of this variant in disease. Therefore, it has been classified as a Variant of Uncertain Significance.

NM_020987.5(ANK3):c.5078A>G (p.Lys1693Arg)

Gene: ANK3 (ankyrin 3; minus strand). Cytogenetic location: 10q21.2.
Variant type: single nucleotide variant.
Coding change: c.5078A>G on transcript NM_020987.5 (MANE Select); coding-DNA position 5078, A replaced by G.
Protein change: p.Lys1693Arg; replaces lysine 1693 with arginine.
Molecular consequence: missense variant. On other transcripts: intron variant (4).
Genome position (GRCh38, 1-based): chr10:60,075,803, T>C on the plus strand (A>G on the coding strand, the complement: ANK3 is on the minus strand). VCF-style: chr10-60075803-T-C. GRCh37 (hg19) VCF-style: chr10-61835561-T-C.
Other names: c.4387+4734A>G (NM_001204403.2); c.4408+4734A>G (NM_001204404.2); c.4405+4734A>G (NM_001320874.2); c.1807+4734A>G (NM_001149.4); short protein forms K1693R.
Identifiers: ClinVar variation 1936946 (VCV001936946.3), dbSNP rs774624088, ClinGen allele CA5512064.